The following is an entry in ClinVar:

ClinVar aggregate classification (germline): Uncertain significance (1 of 4 stars; one submission).

gnomAD v4.1: 3 of 1,604,670 alleles (0.00019%); highest among the groups gnomAD compares: Admixed American, 0.0051%; no homozygotes.

Submission:

Labcorp Genetics (formerly Invitae), Labcorp
Classification: Uncertain significance. Last evaluated: 2025-04-04. Review status: criteria provided, single submitter. Criteria: Invitae Variant Classification Sherloc (09022015). Collection method: clinical testing. Allele origin: germline.
Comment: This sequence change replaces leucine, which is neutral and non-polar, with valine, which is neutral and non-polar, at codon 766 of the CACNA2D4 protein (p.Leu766Val). This variant is present in population databases (no rsID available, gnomAD 0.003%). This variant has not been reported in the literature in individuals affected with CACNA2D4-related conditions. ClinVar contains an entry for this variant (Variation ID: 1497748). An algorithm developed to predict the effect of missense changes on protein structure and function (PolyPhen-2) suggests that this variant is likely to be disruptive. In summary, the available evidence is currently insufficient to determine the role of this variant in disease. Therefore, it has been classified as a Variant of Uncertain Significance.

NM_172364.5(CACNA2D4):c.2296C>G (p.Leu766Val)

Gene: CACNA2D4 (calcium voltage-gated channel auxiliary subunit alpha2delta 4; minus strand). Cytogenetic location: 12p13.33.
Variant type: single nucleotide variant.
Coding change: c.2296C>G on transcript NM_172364.5 (MANE Select); coding-DNA position 2296, C replaced by G.
Protein change: p.Leu766Val; replaces leucine 766 with valine.
Molecular consequence: missense variant.
Genome position (GRCh38, 1-based): chr12:1,846,640, G>C on the plus strand (C>G on the coding strand, the complement: CACNA2D4 is on the minus strand). VCF-style: chr12-1846640-G-C. GRCh37 (hg19) VCF-style: chr12-1955806-G-C.
Other names: short protein forms L766V.
Identifiers: ClinVar variation 1497748 (VCV001497748.8), dbSNP rs770104096, ClinGen allele CA383359480.